The following is an entry in ClinVar:

NM_014804.3(KIAA0753):c.1700C>T (p.Ala567Val)

Gene: KIAA0753 (KIAA0753; minus strand). Cytogenetic location: 17p13.1.
Variant type: single nucleotide variant.
Coding change: c.1700C>T on transcript NM_014804.3 (MANE Select); coding-DNA position 1700, C replaced by T.
Protein change: p.Ala567Val; replaces alanine 567 with valine.
Molecular consequence: missense variant. On other transcripts: non-coding transcript variant (3).
Genome position (GRCh38, 1-based): chr17:6,610,006, G>A on the plus strand (C>T on the coding strand, the complement: KIAA0753 is on the minus strand). VCF-style: chr17-6610006-G-A. GRCh37 (hg19) VCF-style: chr17-6513326-G-A.
Other names: c.803C>T, p.Ala268Val (NM_001351225.2); short protein forms A268V, A567V.
Identifiers: ClinVar variation 2427869 (VCV002427869.6), dbSNP rs766444004, ClinGen allele CA8330409.
Genomic context (GRCh38, chr17:6,610,006, plus strand): 5'-GGAAAAAGAGCATCACATACACAAACGGTCCCTTGAGTTTTCACATACCATTTAGGAGAC[G>A]CTGGTGGGGATGTGGGGTTTGGGGGTATCCATGGTGCCTTGCGGTCTTTCACAGGCTGCC-3'
Protein context (NP_055619.2, residues 557-577): WIPPNPTSPP[Ala567Val]SPKCAAWLKV

ClinVar aggregate classification (germline): Uncertain significance (1 of 4 stars; one submission).

Allele frequency attached by ClinVar (database versions not stated): gnomAD 0.00001; gnomAD exomes 0.00001; TOPMed 0.00001; ExAC 0.00002.
gnomAD v4.1: 21 of 1,613,972 alleles (0.0013%); highest among the groups gnomAD compares: Admixed American, 0.0017%; no homozygotes.

Submission:

Labcorp Genetics (formerly Invitae), Labcorp
Classification: Uncertain significance. Last evaluated: 2024-10-24. Review status: criteria provided, single submitter. Criteria: Invitae Variant Classification Sherloc (09022015). Collection method: clinical testing. Allele origin: germline.
Comment: This sequence change replaces alanine, which is neutral and non-polar, with valine, which is neutral and non-polar, at codon 567 of the KIAA0753 protein (p.Ala567Val). This variant is present in population databases (rs766444004, gnomAD 0.004%). This variant has not been reported in the literature in individuals affected with KIAA0753-related conditions. ClinVar contains an entry for this variant (Variation ID: 2427869). An algorithm developed to predict the effect of missense changes on protein structure and function (PolyPhen-2) suggests that this variant is likely to be disruptive. In summary, the available evidence is currently insufficient to determine the role of this variant in disease. Therefore, it has been classified as a Variant of Uncertain Significance.